The following is an entry in ClinVar:

ClinVar aggregate classification (germline): Likely pathogenic (1 of 4 stars; one submission).

Conditions:
Intellectual developmental disorder, X-linked, syndromic, Raymond type. Also called: Syndromic X-linked intellectual disability Raymond type. Identifiers: MedGen C3275406, MONDO:0010427, OMIM 300799.

Submission:

Variantyx, Inc.
Classification: Likely pathogenic for Intellectual developmental disorder, X-linked, syndromic, Raymond type. Last evaluated: 2025-06-18. Review status: criteria provided, single submitter. Criteria: Variantyx Assertion Criteria 2022. Collection method: clinical testing. Allele origin: maternal. Inheritance: X-linked inheritance.
Comment: This is a nonsense variant in the ZDHHC9 gene (OMIM: 300646). Pathogenic variants in this gene have been associated with X-linked Raymond-type syndromic intellectual developmental disorder. This variant introduces a premature termination codon in exon 9 out of 11 and is expected to result in loss of function, which is a known disease mechanism for ZDHHC9 in this disorder (PMID: 17436253, 24357419, 31747610) (PVS1). This variant is absent from control populations (PM2). Based on the current evidence, this variant is classified as likely pathogenic for X-linked Raymond-type syndromic intellectual developmental disorder.

Literature cited by the submitters: PubMed 17436253; PubMed 20848651; PubMed 24357419.

NM_016032.4(ZDHHC9):c.811C>T (p.Gln271Ter)

Gene: ZDHHC9 (zDHHC palmitoyltransferase 9; minus strand). Cytogenetic location: Xq26.1.
Variant type: single nucleotide variant.
Coding change: c.811C>T on transcript NM_016032.4 (MANE Select); coding-DNA position 811, C replaced by T.
Protein change: p.Gln271Ter; replaces glutamine 271 with a stop codon.
Molecular consequence: nonsense.
Genome position (GRCh38, 1-based): chrX:129,811,476, G>A on the plus strand (C>T on the coding strand, the complement: ZDHHC9 is on the minus strand). VCF-style: chrX-129811476-G-A. GRCh37 (hg19) VCF-style: chrX-128945452-G-A.
Other names: c.811C>T, p.Gln271Ter (NM_001008222.3); short protein forms Q271*.
Identifiers: ClinVar variation 4795936 (VCV004795936.1).